The following is an entry in ClinVar:

NM_006767.4(LZTR1):c.325_328del (p.Phe109fs)

Gene: LZTR1 (leucine zipper like post translational regulator 1; plus strand). Cytogenetic location: 22q11.21.
Variant type: Deletion.
Coding change: c.325_328del on transcript NM_006767.4 (MANE Select); coding-DNA positions 325 to 328, 4 bases deleted (TTTA; older notation c.325_328delTTTA).
Protein change: p.Phe109fs; shifts the reading frame from phenylalanine 109.
Molecular consequence: frameshift variant.
Genome position (GRCh38, 1-based): chr22:20,987,508-20,987,511, TTTA deleted. VCF-style (leftmost placement, unchanged base first): chr22-20987507-CTTTA-C. GRCh37 (hg19) VCF-style: chr22-21341796-CTTTA-C.
Other names: short protein forms F109fs.
Identifiers: ClinVar variation 3238270 (VCV003238270.1), dbSNP rs2518612414.

ClinVar aggregate classification (germline): Pathogenic (1 of 4 stars; one submission).

Conditions:
Hereditary cancer-predisposing syndrome. Also called: Neoplastic Syndromes, Hereditary; Tumor predisposition; Hereditary neoplastic syndrome; Hereditary Cancer Syndrome. Identifiers: Orphanet 140162, MedGen C0027672, MeSH D009386, MONDO:0015356.
Cardiovascular phenotype. Identifiers: MedGen CN230736.

Submission:

Ambry Genetics
Classification: Pathogenic for Cardiovascular phenotype; Hereditary cancer-predisposing syndrome. Last evaluated: 2023-04-27. Review status: criteria provided, single submitter. Criteria: Ambry Variant Classification Scheme 2023. Collection method: clinical testing. Allele origin: germline.
Comment: The c.325_328delTTTA pathogenic mutation, located in coding exon 4 of the LZTR1 gene, results from a deletion of 4 nucleotides at nucleotide positions 325 to 328, causing a translational frameshift with a predicted alternate stop codon (p.F109Pfs*37). This variant is considered to be rare based on population cohorts in the Genome Aggregation Database (gnomAD). This alteration is expected to result in loss of function by premature protein truncation or nonsense-mediated mRNA decay. Based on the supporting evidence, this variant is pathogenic for an increased risk of LZTR1-related schwannomatosis (SWN) and would be expected to cause autosomal recessive Noonan syndrome when present along with a second pathogenic or likely pathogenic variant on the other allele; however, the association of this alteration with autosomal dominant Noonan syndrome is unlikely.